The following is an entry in ClinVar:

ClinVar aggregate classification (germline): Likely benign (1 of 4 stars; one submission).

Submission:

CeGaT Center for Human Genetics Tuebingen
Classification: Likely benign. Last evaluated: 2026-05-01. Review status: criteria provided, single submitter. Criteria: CeGaT Center For Human Genetics Tuebingen Variant Classification Criteria Version 2. Collection method: clinical testing. Allele origin: germline. Affected: yes. Observed: 1 variant allele.
Comment: DDX11: BP4, BP7

NM_030653.4(DDX11):c.1515C>T (p.Ser505=)

Gene: DDX11 (DEAD/H-box helicase 11; plus strand). Cytogenetic location: 12p11.21.
Variant type: single nucleotide variant.
Coding change: c.1515C>T on transcript NM_030653.4 (MANE Select); coding-DNA position 1515, C replaced by T.
Protein change: p.Ser505=; no amino-acid change (serine 505 retained).
Molecular consequence: synonymous variant. On other transcripts: non-coding transcript variant (4).
Genome position (GRCh38, 1-based): chr12:31,096,373, C>T. VCF-style: chr12-31096373-C-T. GRCh37 (hg19) VCF-style: chr12-31249307-C-T.
Other names: c.1515C>T, p.Ser505= (NM_001257144.2, NM_001413692.1, NM_001413693.1 and 5 more transcripts); c.1437C>T, p.Ser479= (NM_001257145.2, NM_001413697.1, NM_001413698.1 and 1 more transcripts); c.1428C>T, p.Ser476= (NM_001413700.1); c.987C>T, p.Ser329= (NM_001413702.1, NM_001413703.1); c.654C>T, p.Ser218= (NM_001413704.1, NM_001413705.1); c.549C>T, p.Ser183= (NM_001413706.1).
Identifiers: ClinVar variation 4874745 (VCV004874745.2).